The following is an entry in ClinVar:

NM_152743.4(BRAT1):c.128-10A>G

Gene: BRAT1 (BRCA1 associated ATM activator 1; minus strand). Cytogenetic location: 7p22.3.
Variant type: single nucleotide variant.
Coding change: c.128-10A>G on transcript NM_152743.4 (MANE Select); 10 bases into the intron before coding-DNA position 128, A replaced by G.
Molecular consequence: intron variant.
Genome position (GRCh38, 1-based): chr7:2,547,488, T>C on the plus strand (A>G on the coding strand, the complement: BRAT1 is on the minus strand). VCF-style: chr7-2547488-T-C. GRCh37 (hg19) VCF-style: chr7-2587122-T-C.
Other names: p.?; c.-250-10A>G (NM_001350627.2); c.128-10A>G (NM_001350626.2).
Identifiers: ClinVar variation 1164775 (VCV001164775.19), dbSNP rs2164688, ClinGen allele CA4128299.

ClinVar aggregate classification (germline): Benign/Likely benign. Review status: criteria provided, multiple submitters, no conflicts (2 of 4 stars). 7 submissions from 7 submitters: Benign (4); Likely benign (1). 2 of the submissions do not count toward it. Last evaluated 2026-02-03.

Conditions:
Neonatal-onset encephalopathy with rigidity and seizures. Also called: Lethal neonatal spasticity-epileptic encephalopathy syndrome. Identifiers: Orphanet 435845, MedGen C3281029, MONDO:0013784, OMIM 614498.

Allele frequency attached by ClinVar (database versions not stated): gnomAD exomes 0.35550 and 0.38979; ExAC 0.39107; ESP Exome Variant Server 0.45079; gnomAD 0.45152 and 0.46043; TOPMed 0.45788; 1000 Genomes Project 0.46366; 1000 Genomes Project 30x 0.46768.
gnomAD v4.1: 588,673 of 1,612,868 alleles (36%); highest among the groups gnomAD compares: African/African-American, 68%; 112,801 homozygotes.

Submissions (7):

Labcorp Genetics (formerly Invitae), Labcorp
Classification: Benign for Neonatal-onset encephalopathy with rigidity and seizures. Last evaluated: 2026-02-03. Review status: criteria provided, single submitter. Criteria: Invitae Variant Classification Sherloc (09022015). Collection method: clinical testing. Allele origin: germline.

Blueprint Genetics
Classification: Likely benign. Last evaluated: 2024-11-27. Review status: criteria provided, single submitter. Criteria: ACMG Guidelines, 2015. Collection method: clinical testing. Allele origin: germline.

Unidad de Genómica Garrahan, Hospital de Pediatría Garrahan
Classification: Benign. Last evaluated: 2024-07-15. Review status: criteria provided, single submitter. Criteria: ACMG Guidelines, 2015. Collection method: clinical testing. Allele origin: germline. Affected: no. Observed: 57 variant alleles.
Comment: This variant is classified as Benign based on local population frequency. This variant was detected in 61% of patients studied in a panel designed for Epileptic and Developmental Encephalopathy and Progressive Myoclonus Epilepsy. Number of patients: 57. Only high quality variants are reported.

Mayo Clinic Laboratories, Mayo Clinic
Classification: Benign. Last evaluated: 2021-11-29. Review status: criteria provided, single submitter. Criteria: ACMG Guidelines, 2015. Collection method: clinical testing. Allele origin: germline. Observed: 168 variant alleles.

GeneDx
Classification: Benign. Last evaluated: 2018-07-07. Review status: criteria provided, single submitter. Criteria: GeneDx Variant Classification Process June 2021. Collection method: clinical testing. Allele origin: germline. Affected: yes.

Diagnostic Laboratory, Department of Genetics, University Medical Center Groningen
Classification: Benign. Review status: no assertion criteria provided. Collection method: clinical testing. Allele origin: germline. Affected: yes. Study: VKGL Data-share Consensus. Not counted in ClinVar's aggregate classification.

Joint Genome Diagnostic Labs from Nijmegen and Maastricht, Radboudumc and MUMC+
Classification: Benign. Review status: no assertion criteria provided. Collection method: clinical testing. Allele origin: germline. Affected: yes. Study: VKGL Data-share Consensus. Not counted in ClinVar's aggregate classification.